The following is an entry in ClinVar:

ClinVar aggregate classification (germline): Uncertain significance (1 of 4 stars; one submission).

Allele frequency attached by ClinVar (database versions not stated): gnomAD 0.00001; TOPMed 0.00002.
gnomAD v4.1: 3 of 1,614,080 alleles (0.00019%); highest among the groups gnomAD compares: Admixed American, 0.0017%; no homozygotes.

Submission:

Labcorp Genetics (formerly Invitae), Labcorp
Classification: Uncertain significance. Last evaluated: 2024-10-21. Review status: criteria provided, single submitter. Criteria: Invitae Variant Classification Sherloc (09022015). Collection method: clinical testing. Allele origin: germline.
Comment: This sequence change replaces glutamic acid, which is acidic and polar, with aspartic acid, which is acidic and polar, at codon 206 of the INTU protein (p.Glu206Asp). This variant is present in population databases (no rsID available, gnomAD no frequency). This variant has not been reported in the literature in individuals affected with INTU-related conditions. Invitae Evidence Modeling of protein sequence and biophysical properties (such as structural, functional, and spatial information, amino acid conservation, physicochemical variation, residue mobility, and thermodynamic stability) indicates that this missense variant is not expected to disrupt INTU protein function with a negative predictive value of 80%. In summary, the available evidence is currently insufficient to determine the role of this variant in disease. Therefore, it has been classified as a Variant of Uncertain Significance.

NM_015693.4(INTU):c.618G>C (p.Glu206Asp)

Gene: INTU (inturned planar cell polarity protein; plus strand). Cytogenetic location: 4q28.1.
Variant type: single nucleotide variant.
Coding change: c.618G>C on transcript NM_015693.4 (MANE Select); coding-DNA position 618, G replaced by C.
Protein change: p.Glu206Asp; replaces glutamic acid 206 with aspartic acid.
Molecular consequence: missense variant.
Genome position (GRCh38, 1-based): chr4:127,643,992, G>C. VCF-style: chr4-127643992-G-C. GRCh37 (hg19) VCF-style: chr4-128565147-G-C.
Other names: short protein forms E206D.
Identifiers: ClinVar variation 2980872 (VCV002980872.3), dbSNP rs970762611, ClinGen allele CA105646582.